The following is an entry in ClinVar:

NM_001278512.2(AP3B2):c.2957C>G (p.Pro986Arg)

Genes: CPEB1-AS1 (CPEB1 antisense RNA 1; plus strand), AP3B2 (adaptor related protein complex 3 subunit beta 2; minus strand). Cytogenetic location: 15q25.2.
Variant type: single nucleotide variant.
Coding change: c.2957C>G on transcript NM_001278512.2 (MANE Select); coding-DNA position 2957, C replaced by G.
Protein change: p.Pro986Arg; replaces proline 986 with arginine.
Molecular consequence: missense variant.
Genome position (GRCh38, 1-based): chr15:82,661,884, G>C on the plus strand (C>G on the coding strand, the complement: AP3B2 is on the minus strand). VCF-style: chr15-82661884-G-C. GRCh37 (hg19) VCF-style: chr15-83330636-G-C.
Other names: c.2804C>G, p.Pro935Arg (NM_001278511.2); c.89C>G, p.Pro30Arg (NM_001348441.2); c.2900C>G, p.Pro967Arg (NM_004644.5); short protein forms P986R, P967R, P30R, P935R.
Identifiers: ClinVar variation 1397514 (VCV001397514.8), dbSNP rs2151426949, ClinGen allele CA393306765.

ClinVar aggregate classification (germline): Uncertain significance (1 of 4 stars; one submission).

gnomAD v4.1: 1 of 1,613,896 alleles (0.000062%); no homozygotes.

Submission:

Labcorp Genetics (formerly Invitae), Labcorp
Classification: Uncertain significance. Last evaluated: 2021-07-18. Review status: criteria provided, single submitter. Criteria: Invitae Variant Classification Sherloc (09022015). Collection method: clinical testing. Allele origin: germline.
Comment: This sequence change replaces proline with arginine at codon 967 of the AP3B2 protein (p.Pro967Arg). The proline residue is highly conserved and there is a moderate physicochemical difference between proline and arginine. This variant is not present in population databases (ExAC no frequency). This variant has not been reported in the literature in individuals affected with AP3B2-related conditions. Algorithms developed to predict the effect of missense changes on protein structure and function are either unavailable or do not agree on the potential impact of this missense change (SIFT: "Deleterious"; PolyPhen-2: "Possibly Damaging"; Align-GVGD: "Class C0"). In summary, the available evidence is currently insufficient to determine the role of this variant in disease. Therefore, it has been classified as a Variant of Uncertain Significance.